The following is an entry in ClinVar:

ClinVar aggregate classification (germline): Likely benign (0 of 4 stars; one submission).

Conditions:
KIAA0319-related disorder. Also called: KIAA0319-related condition.

Allele frequency attached by ClinVar (database versions not stated): 1000 Genomes Project 0.00200; 1000 Genomes Project 30x 0.00203; ExAC 0.00280; gnomAD 0.00305; TOPMed 0.00328; ESP Exome Variant Server 0.00384; gnomAD exomes 0.00403.

Submission:

PreventionGenetics, part of Exact Sciences
Classification: Likely benign for KIAA0319-related condition. Last evaluated: 2020-01-07. Review status: no assertion criteria provided. Collection method: clinical testing. Allele origin: germline.
Comment: This variant is classified as likely benign based on ACMG/AMP sequence variant interpretation guidelines (Richards et al. 2015 PMID: 25741868, with internal and published modifications).

NM_014809.4(KIAA0319):c.2164C>T (p.Arg722Trp)

Gene: KIAA0319 (KIAA0319; minus strand). Cytogenetic location: 6p22.3.
Variant type: single nucleotide variant.
Coding change: c.2164C>T on transcript NM_014809.4 (MANE Select); coding-DNA position 2164, C replaced by T.
Protein change: p.Arg722Trp; replaces arginine 722 with tryptophan.
Molecular consequence: missense variant.
Genome position (GRCh38, 1-based): chr6:24,566,725, G>A on the plus strand (C>T on the coding strand, the complement: KIAA0319 is on the minus strand). VCF-style: chr6-24566725-G-A. GRCh37 (hg19) VCF-style: chr6-24566953-G-A.
Other names: c.2137C>T, p.Arg713Trp (NM_001168374.2); c.2164C>T, p.Arg722Trp (NM_001168375.2, NM_001168377.2, NM_001350403.2 and 2 more transcripts); c.2029C>T, p.Arg677Trp (NM_001168376.2, NM_001350406.2); c.397C>T, p.Arg133Trp (NM_001252328.2); c.2146C>T, p.Arg716Trp (NM_001350404.2); c.2065C>T, p.Arg689Trp (NM_001350405.2); c.1708C>T, p.Arg570Trp (NM_001350409.2, NM_001350410.2); short protein forms R133W, R570W, R677W, R689W, R713W, R716W, R722W.
Identifiers: ClinVar variation 3042107 (VCV003042107.2), dbSNP rs113411083, ClinGen allele CA3657289.